The following is an entry in ClinVar:

ClinVar aggregate classification (germline): Benign/Likely benign. Review status: criteria provided, multiple submitters, no conflicts (2 of 4 stars). 4 submissions from 4 submitters: Benign (2); Likely benign (1). 1 of the submissions does not count toward it. Last evaluated 2026-01-19.

Conditions:
Pancreatic adenocarcinoma. Identifiers: MedGen C0281361, MONDO:0006047, HP:0006725.
Pancreatic cancer, susceptibility to, 1. Identifiers: Orphanet 1333, MedGen C1847351, MONDO:0011739, OMIM 606856.

Allele frequency attached by ClinVar (database versions not stated): gnomAD 0.00004; TOPMed 0.00031; gnomAD exomes 0.00195 and 0.00596; 1000 Genomes Project 0.00579; 1000 Genomes Project 30x 0.00625; ExAC 0.02432.
gnomAD v4.1: 2,858 of 1,518,194 alleles (0.19%); highest among the groups gnomAD compares: South Asian, 3.3%; 66 homozygotes.

Submissions (4):

Labcorp Genetics (formerly Invitae), Labcorp
Classification: Benign for Pancreatic adenocarcinoma. Last evaluated: 2026-01-19. Review status: criteria provided, single submitter. Criteria: Invitae Variant Classification Sherloc (09022015). Collection method: clinical testing. Allele origin: germline.

Ambry Genetics
Classification: Likely benign. Last evaluated: 2024-07-29. Review status: criteria provided, single submitter. Criteria: Ambry Variant Classification Scheme 2023. Collection method: clinical testing. Allele origin: germline.

KCCC/NGS Laboratory, Kuwait Cancer Control Center
Classification: Benign for Pancreatic cancer, susceptibility to, 1. Last evaluated: 2023-07-07. Review status: criteria provided, single submitter. Criteria: ACMG Guidelines, 2015. Collection method: clinical testing. Allele origin: germline. Affected: yes.

Department of Pathology and Laboratory Medicine, Sinai Health System
Classification: Benign. Review status: no assertion criteria provided. Collection method: clinical testing. Allele origin: unknown. Affected: yes. Study: The Canadian Open Genetics Repository (COGR). Not counted in ClinVar's aggregate classification.
Comment: The PALLD p.Val156Ile variant was not identified in the literature nor was it identified in Cosmic or LOVD 3.0. The variant was identified in dbSNP (ID: rs368350042) and ClinVar (classified as benign by Invitae). The variant was identified in control databases in 684 of 145410 chromosomes (13 homozygous) at a frequency of 0.004704 increasing the likelihood this could be a low frequency benign variant (Genome Aggregation Database March 6, 2019, v2.1.1). The variant was observed in the following populations: South Asian in 664 of 20284 chromosomes (freq: 0.03274), Other in 15 of 4572 chromosomes (freq: 0.003281), Latino in 3 of 23164 chromosomes (freq: 0.00013), African in 1 of 12862 chromosomes (freq: 0.000078) and European (non-Finnish) in 1 of 57790 chromosomes (freq: 0.000017), but was not observed in the Ashkenazi Jewish, East Asian, or European (Finnish) populations. The p.Val156 residue is not conserved in mammals and computational analyses (PolyPhen-2, SIFT, AlignGVGD, BLOSUM, MutationTaster) do not suggest a high likelihood of impact to the protein; however, this information is not predictive enough to rule out pathogenicity. The variant occurs outside of the splicing consensus sequence and in silico or computational prediction software programs (SpliceSiteFinder, MaxEntScan, NNSPLICE, GeneSplicer) do not predict a difference in splicing. In summary, based on the above information this variant meets our laboratory's criteria to be classified as benign.

NM_001166108.2(PALLD):c.1965-12565G>A

Gene: PALLD (palladin, cytoskeletal associated protein; plus strand). Cytogenetic location: 4q32.3.
Variant type: single nucleotide variant.
Coding change: c.1965-12565G>A on transcript NM_001166108.2 (MANE Select); 12565 bases into the intron before coding-DNA position 1965, G replaced by A.
Molecular consequence: intron variant. On other transcripts: missense variant (1).
Genome position (GRCh38, 1-based): chr4:168,878,357, G>A. VCF-style: chr4-168878357-G-A. GRCh37 (hg19) VCF-style: chr4-169799508-G-A.
Other names: c.466G>A, p.Val156Ile (NM_001166110.2); c.1965-12565G>A (NM_016081.4, NM_001166108.1); c.819-12565G>A (NM_001166109.2); c.-157-12565G>A (NM_001367570.1, NM_001367568.1, NM_001367567.1 and 1 more transcripts); short protein forms V156I.
Identifiers: ClinVar variation 136009 (VCV000136009.14), dbSNP rs368350042, ClinGen allele CA332745.